The following is an entry in ClinVar:

NM_001370466.1(NOD2):c.1639C>T (p.Gln547Ter)

Gene: NOD2 (nucleotide binding oligomerization domain containing 2; plus strand). Cytogenetic location: 16q12.1.
Variant type: single nucleotide variant.
Coding change: c.1639C>T on transcript NM_001370466.1 (MANE Select); coding-DNA position 1639, C replaced by T.
Protein change: p.Gln547Ter; replaces glutamine 547 with a stop codon.
Molecular consequence: nonsense. On other transcripts: non-coding transcript variant (1).
Genome position (GRCh38, 1-based): chr16:50,711,631, C>T. VCF-style: chr16-50711631-C-T. GRCh37 (hg19) VCF-style: chr16-50745542-C-T.
Other names: c.1639C>T, p.Gln547Ter (NM_001293557.2); c.1720C>T, p.Gln574Ter (NM_022162.3); short protein forms Q574*, Q547*.
Identifiers: ClinVar variation 634817 (VCV000634817.5), dbSNP rs1264862631, ClinGen allele CA395869486.

ClinVar aggregate classification (germline): Pathogenic (1 of 4 stars; one submission).

Conditions:
Inflammatory bowel disease 1 (IBD1). Also called: Inflammatory bowel disease 1, Crohn disease; INFLAMMATORY BOWEL DISEASE (CROHN DISEASE) 1. Identifiers: MedGen CN260071, MONDO:0009960, OMIM 266600.

Allele frequency attached by ClinVar (database versions not stated): gnomAD exomes below 0.00001.
gnomAD v4.1: 2 of 1,612,444 alleles (0.00012%); highest among the groups gnomAD compares: Admixed American, 0.0017%; no homozygotes.

Submission:

Baylor-Hopkins Center for Mendelian Genomics, Johns Hopkins University School of Medicine
Classification: Pathogenic for Inflammatory bowel disease 1. Review status: criteria provided, single submitter. Criteria: ACMG Guidelines, 2015. Collection method: research. Allele origin: germline. Affected: yes. Observed: 1 variant allele, 1 heterozygote.